The following is an entry in ClinVar:

ClinVar aggregate classification (germline): Conflicting classifications of pathogenicity. Review status: criteria provided, conflicting classifications (1 of 4 stars). 2 submissions from 2 submitters: Uncertain significance (1); Likely benign (1). Last evaluated 2023-06-16.

Conditions:
Hereditary cancer-predisposing syndrome. Also called: Hereditary Cancer Syndrome; Hereditary neoplastic syndrome; Neoplastic Syndromes, Hereditary; Tumor predisposition. Identifiers: Orphanet 140162, MedGen C0027672, MeSH D009386, MONDO:0015356.
Hereditary breast ovarian cancer syndrome. Also called: Hereditary breast and ovarian cancer syndrome (HBOC); Breast and ovarian cancer; Hereditary breast and/or ovarian cancer syndrome; BRCA1- and BRCA2-Associated Hereditary Breast and Ovarian Cancer; Hereditary breast and ovarian cancer syndrome; Hereditary breast and ovarian cancer. Identifiers: Orphanet 145, MedGen C0677776, MeSH D061325, MONDO:0003582. Disease mechanism: loss of function.

Submissions (2):

Labcorp Genetics (formerly Invitae), Labcorp
Classification: Uncertain significance for Hereditary breast ovarian cancer syndrome. Last evaluated: 2023-06-16. Review status: criteria provided, single submitter. Criteria: Invitae Variant Classification Sherloc (09022015). Collection method: clinical testing. Allele origin: germline.
Comment: This sequence change replaces glutamic acid, which is acidic and polar, with lysine, which is basic and polar, at codon 394 of the BRCA2 protein (p.Glu394Lys). This variant is not present in population databases (gnomAD no frequency). This variant has not been reported in the literature in individuals affected with BRCA2-related conditions. ClinVar contains an entry for this variant (Variation ID: 1063205). Advanced modeling of protein sequence and biophysical properties (such as structural, functional, and spatial information, amino acid conservation, physicochemical variation, residue mobility, and thermodynamic stability) performed at Invitae indicates that this missense variant is not expected to disrupt BRCA2 protein function. In summary, the available evidence is currently insufficient to determine the role of this variant in disease. Therefore, it has been classified as a Variant of Uncertain Significance.

University of Washington Department of Laboratory Medicine, University of Washington
Classification: Likely benign for Hereditary cancer-predisposing syndrome. Last evaluated: 2023-03-23. Review status: criteria provided, single submitter. Criteria: Dines et al. (Genet Med. 2020). Collection method: curation. Allele origin: germline.
Comment: Missense variant in a coldspot region where missense variants are very unlikely to be pathogenic (PMID:31911673).

BRCA2 exon 10 coldspot. Reclassification based on statistical prior probability.

NM_000059.4(BRCA2):c.1180G>A (p.Glu394Lys)

Gene: BRCA2 (BRCA2 DNA repair associated; plus strand). Cytogenetic location: 13q13.1.
Variant type: single nucleotide variant.
Coding change: c.1180G>A on transcript NM_000059.4 (MANE Select); coding-DNA position 1180, G replaced by A.
Protein change: p.Glu394Lys; replaces glutamic acid 394 with lysine.
Molecular consequence: missense variant.
Genome position (GRCh38, 1-based): chr13:32,332,658, G>A. VCF-style: chr13-32332658-G-A. GRCh37 (hg19) VCF-style: chr13-32906795-G-A.
Other names: short protein forms E394K.
Identifiers: ClinVar variation 1063205 (VCV001063205.10), dbSNP rs397507575, ClinGen allele CA387761982.